The following is an entry in ClinVar:

NM_022367.4(SEMA4A):c.1337C>T (p.Ala446Val)

Gene: SEMA4A (semaphorin 4A; plus strand). Cytogenetic location: 1q22.
Variant type: single nucleotide variant.
Coding change: c.1337C>T on transcript NM_022367.4 (MANE Select); coding-DNA position 1337, C replaced by T.
Protein change: p.Ala446Val; replaces alanine 446 with valine.
Molecular consequence: missense variant.
Genome position (GRCh38, 1-based): chr1:156,174,843, C>T. VCF-style: chr1-156174843-C-T. GRCh37 (hg19) VCF-style: chr1-156144634-C-T.
Other names: c.1337C>T, p.Ala446Val (NM_001193300.2, NM_001193301.2, NM_001370567.1); c.941C>T, p.Ala314Val (NM_001193302.2); c.1040C>T, p.Ala347Val (NM_001370568.1); c.830C>T, p.Ala277Val (NM_001370569.1, NM_001370571.1); short protein forms A446V, A277V, A314V, A347V.
Identifiers: ClinVar variation 292852 (VCV000292852.11), dbSNP rs886045366, ClinGen allele CA10607974.

ClinVar aggregate classification (germline): Uncertain significance. Review status: criteria provided, multiple submitters, no conflicts (2 of 4 stars). 5 submissions from 3 submitters: Uncertain significance (5). Last evaluated 2023-04-11.

Conditions:
Retinitis pigmentosa (RP). Identifiers: Orphanet 791, MedGen C0035334, MeSH D012174, MONDO:0019200, OMIM 268000. Inheritance: Autosomal dominant, autosomal recessive and X linked inheritance.
Cone-rod dystrophy 10 (CORD10). Identifiers: Orphanet 1872, MedGen C1846529, MONDO:0012464, OMIM 610283.
Retinitis pigmentosa 35 (RP35). Identifiers: Orphanet 791, MedGen C1853214, MONDO:0012463, OMIM 610282.

Allele frequency attached by ClinVar (database versions not stated): gnomAD exomes 0.00001; TOPMed 0.00001.

Submissions (5):

Genome-Nilou Lab
Classification: Uncertain significance for Cone-rod dystrophy 10. Last evaluated: 2023-04-11. Review status: criteria provided, single submitter. Criteria: ACMG Guidelines, 2015. Collection method: clinical testing. Allele origin: germline. Affected: no.

Genome-Nilou Lab
Classification: Uncertain significance for Retinitis pigmentosa 35. Last evaluated: 2023-04-11. Review status: criteria provided, single submitter. Criteria: ACMG Guidelines, 2015. Collection method: clinical testing. Allele origin: germline. Affected: no.

Labcorp Genetics (formerly Invitae), Labcorp
Classification: Uncertain significance. Last evaluated: 2022-02-04. Review status: criteria provided, single submitter. Criteria: Invitae Variant Classification Sherloc (09022015). Collection method: clinical testing. Allele origin: germline.
Comment: In summary, the available evidence is currently insufficient to determine the role of this variant in disease. Therefore, it has been classified as a Variant of Uncertain Significance. Algorithms developed to predict the effect of missense changes on protein structure and function output the following: SIFT: "Tolerated"; PolyPhen-2: "Benign"; Align-GVGD: "Class C0". The valine amino acid residue is found in multiple mammalian species, which suggests that this missense change does not adversely affect protein function. ClinVar contains an entry for this variant (Variation ID: 292852). This variant has not been reported in the literature in individuals affected with SEMA4A-related conditions. This variant is not present in population databases (gnomAD no frequency). This sequence change replaces alanine, which is neutral and non-polar, with valine, which is neutral and non-polar, at codon 446 of the SEMA4A protein (p.Ala446Val).

Illumina Laboratory Services, Illumina
Classification: Uncertain significance for Cone-rod dystrophy 10. Last evaluated: 2018-01-13. Review status: criteria provided, single submitter. Criteria: ICSL Variant Classification Criteria 13 December 2019. Collection method: clinical testing. Allele origin: germline.

Illumina Laboratory Services, Illumina
Classification: Uncertain significance for Retinitis pigmentosa. Last evaluated: 2018-01-13. Review status: criteria provided, single submitter. Criteria: ICSL Variant Classification Criteria 13 December 2019. Collection method: clinical testing. Allele origin: germline.